The following is an entry in ClinVar:

NM_017934.7(PHIP):c.829C>A (p.Pro277Thr)

Gene: PHIP (PHIP subunit of CUL4-Ring ligase complex; minus strand). Cytogenetic location: 6q14.1.
Variant type: single nucleotide variant.
Coding change: c.829C>A on transcript NM_017934.7 (MANE Select); coding-DNA position 829, C replaced by A.
Protein change: p.Pro277Thr; replaces proline 277 with threonine.
Molecular consequence: missense variant.
Genome position (GRCh38, 1-based): chr6:79,025,613, G>T on the plus strand (C>A on the coding strand, the complement: PHIP is on the minus strand). VCF-style: chr6-79025613-G-T. GRCh37 (hg19) VCF-style: chr6-79735330-G-T.
Other names: short protein forms P277T.
Identifiers: ClinVar variation 1719793 (VCV001719793.5), dbSNP rs2482186157, ClinGen allele CA364639220.

ClinVar aggregate classification (germline): Uncertain significance (1 of 4 stars; one submission).

Allele frequency attached by ClinVar (database versions not stated): gnomAD exomes below 0.00001.
gnomAD v4.1: 2 of 1,591,344 alleles (0.00013%); highest among the groups gnomAD compares: Non-Finnish European, 0.00017%; no homozygotes.

Submission:

Labcorp Genetics (formerly Invitae), Labcorp
Classification: Uncertain significance. Last evaluated: 2024-05-07. Review status: criteria provided, single submitter. Criteria: Invitae Variant Classification Sherloc (09022015). Collection method: clinical testing. Allele origin: germline.
Comment: This sequence change replaces proline, which is neutral and non-polar, with threonine, which is neutral and polar, at codon 277 of the PHIP protein (p.Pro277Thr). This variant is not present in population databases (gnomAD no frequency). This variant has not been reported in the literature in individuals affected with PHIP-related conditions. ClinVar contains an entry for this variant (Variation ID: 1719793). Advanced modeling of protein sequence and biophysical properties (such as structural, functional, and spatial information, amino acid conservation, physicochemical variation, residue mobility, and thermodynamic stability) performed at Invitae indicates that this missense variant is expected to disrupt PHIP protein function with a positive predictive value of 80%. In summary, the available evidence is currently insufficient to determine the role of this variant in disease. Therefore, it has been classified as a Variant of Uncertain Significance.